The following is an entry in ClinVar:

ClinVar aggregate classification (germline): Uncertain significance (1 of 4 stars; one submission).

Allele frequency attached by ClinVar (database versions not stated): TOPMed below 0.00001.

Submission:

Labcorp Genetics (formerly Invitae), Labcorp
Classification: Uncertain significance. Last evaluated: 2024-10-22. Review status: criteria provided, single submitter. Criteria: Invitae Variant Classification Sherloc (09022015). Collection method: clinical testing. Allele origin: germline.
Comment: This sequence change replaces isoleucine, which is neutral and non-polar, with valine, which is neutral and non-polar, at codon 464 of the IFNAR1 protein (p.Ile464Val). This variant is not present in population databases (gnomAD no frequency). This variant has not been reported in the literature in individuals affected with IFNAR1-related conditions. ClinVar contains an entry for this variant (Variation ID: 2049075). An algorithm developed to predict the effect of missense changes on protein structure and function outputs the following: PolyPhen-2: "Benign". The valine amino acid residue is found in multiple mammalian species, which suggests that this missense change does not adversely affect protein function. In summary, the available evidence is currently insufficient to determine the role of this variant in disease. Therefore, it has been classified as a Variant of Uncertain Significance.

NM_000629.3(IFNAR1):c.1390A>G (p.Ile464Val)

Gene: IFNAR1 (interferon alpha and beta receptor subunit 1; plus strand). Cytogenetic location: 21q22.11.
Variant type: single nucleotide variant.
Coding change: c.1390A>G on transcript NM_000629.3 (MANE Select); coding-DNA position 1390, A replaced by G.
Protein change: p.Ile464Val; replaces isoleucine 464 with valine.
Molecular consequence: missense variant. On other transcripts: intron variant (1).
Genome position (GRCh38, 1-based): chr21:33,353,733, A>G. VCF-style: chr21-33353733-A-G. GRCh37 (hg19) VCF-style: chr21-34726039-A-G.
Other names: c.1390A>G, p.Ile464Val (NM_001384498.1, NM_001384503.1); c.628A>G, p.Ile210Val (NM_001384500.1); c.1375A>G, p.Ile459Val (NM_001384501.1); c.928A>G, p.Ile310Val (NM_001384502.1); c.1183A>G, p.Ile395Val (NM_001384504.1); c.1294+825A>G (NM_001384499.1); short protein forms I310V, I459V, I395V, I464V, I210V.
Identifiers: ClinVar variation 2049075 (VCV002049075.4), dbSNP rs2083420989, ClinGen allele CA410110675.
Genomic context (GRCh38, chr21:33,353,733, plus strand): 5'-TGTATTGCATTATTTGCTCTCCCGTTTGTCATTTATGCTGCGAAAGTCTTCTTGAGATGC[A>G]TCAATTATGTCTTCTTTCCATCACTTAAACCTTCTTCCAGTATAGATGAGGTATGTTACT-3'
Protein context (NP_000620.2, residues 454-474): IYAAKVFLRC[Ile464Val]NYVFFPSLKP